The following is an entry in ClinVar:

NM_001009944.3(PKD1):c.9373A>T (p.Lys3125Ter)

Gene: PKD1 (polycystin 1, transient receptor potential channel interacting; minus strand). Cytogenetic location: 16p13.3.
Variant type: single nucleotide variant.
Coding change: c.9373A>T on transcript NM_001009944.3 (MANE Select); coding-DNA position 9373, A replaced by T.
Protein change: p.Lys3125Ter; replaces lysine 3125 with a stop codon.
Molecular consequence: nonsense.
Genome position (GRCh38, 1-based): chr16:2,102,085, T>A on the plus strand (A>T on the coding strand, the complement: PKD1 is on the minus strand). VCF-style: chr16-2102085-T-A. GRCh37 (hg19) VCF-style: chr16-2152086-T-A.
Other names: c.9373A>T, p.Lys3125Ter (NM_000296.4); short protein forms K3125*.
Identifiers: ClinVar variation 3382789 (VCV003382789.2).

ClinVar aggregate classification (germline): Pathogenic (1 of 4 stars; one submission).

Conditions:
Polycystic kidney disease, adult type (PKD1). Also called: POLYCYSTIC KIDNEY DISEASE, ADULT, TYPE I; Polycystic Kidney Disease 1, Autosomal Dominant; Polycystic kidney disease 1; Polycystic kidney disease 1, severe; Polycystic Kidney, Autosomal Dominant; POLYCYSTIC KIDNEY DISEASE 1 WITH OR WITHOUT POLYCYSTIC LIVER DISEASE. Identifiers: MedGen C3149841, MONDO:0008263, OMIM 173900.

Submission:

Juno Genomics, Hangzhou Juno Genomics, Inc
Classification: Pathogenic for Polycystic kidney disease, adult type. Review status: criteria provided, single submitter. Criteria: ACMG Guidelines, 2015. Collection method: clinical testing. Allele origin: germline. Affected: yes.
Comment: Null variant in a gene where loss of function (LOF) is a known mechanism of disease.;Absent from controls (or at extremely low frequency if recessive) in Genome Aggregation Database, Exome Sequencing Project, 1000 Genomes Project, or Exome Aggregation Consortium.;Patient's phenotype or family history is highly specific for a disease with a single genetic etiology.